The following is an entry in ClinVar:

ClinVar aggregate classification (germline): Likely benign (1 of 4 stars; one submission).

Conditions:
CAMTA1-related disorder. Also called: CAMTA1-related condition.

gnomAD v4.1: 19 of 1,608,932 alleles (0.0012%); highest among the groups gnomAD compares: East Asian, 0.0022%; no homozygotes.

Submission:

PreventionGenetics, part of Exact Sciences
Classification: Likely benign for CAMTA1-related condition. Last evaluated: 2025-03-04. Review status: criteria provided, single submitter. Criteria: ACMG Guidelines, 2015. Collection method: clinical testing. Allele origin: germline.
Comment: This variant is classified as likely benign based on ACMG/AMP sequence variant interpretation guidelines (Richards et al. 2015 PMID: 25741868, with internal and published modifications).

NM_015215.4(CAMTA1):c.2217C>T (p.Asn739=)

Gene: CAMTA1 (calmodulin binding transcription activator 1; plus strand). Cytogenetic location: 1p36.23.
Variant type: single nucleotide variant.
Coding change: c.2217C>T on transcript NM_015215.4 (MANE Select); coding-DNA position 2217, C replaced by T.
Protein change: p.Asn739=; no amino-acid change (asparagine 739 retained).
Molecular consequence: synonymous variant.
Genome position (GRCh38, 1-based): chr1:7,664,764, C>T. VCF-style: chr1-7664764-C-T. GRCh37 (hg19) VCF-style: chr1-7724824-C-T.
Other names: c.2127C>T, p.Asn709= (NM_001349608.2, NM_001349612.2); c.2217C>T, p.Asn739= (NM_001349609.2, NM_001349610.2, NM_001410737.1); c.2145C>T, p.Asn715= (NM_001410738.1).
Identifiers: ClinVar variation 4991786 (VCV004991786.1).